The following is an entry in ClinVar:

ClinVar aggregate classification (germline): Uncertain significance (1 of 4 stars; one submission).

gnomAD v4.1: 4 of 1,613,966 alleles (0.00025%); highest among the groups gnomAD compares: South Asian, 0.0022%; no homozygotes.

Submission:

Labcorp Genetics (formerly Invitae), Labcorp
Classification: Uncertain significance. Last evaluated: 2025-09-22. Review status: criteria provided, single submitter. Criteria: Invitae Variant Classification Sherloc (09022015). Collection method: clinical testing. Allele origin: germline.
Comment: This sequence change replaces histidine, which is basic and polar, with tyrosine, which is neutral and polar, at codon 409 of the DVL3 protein (p.His409Tyr). This variant is present in population databases (no rsID available, gnomAD 0.006%). This variant has not been reported in the literature in individuals affected with DVL3-related conditions. Invitae Evidence Modeling of protein sequence and biophysical properties (such as structural, functional, and spatial information, amino acid conservation, physicochemical variation, residue mobility, and thermodynamic stability) indicates that this missense variant is not expected to disrupt DVL3 protein function with a negative predictive value of 80%. In summary, the available evidence is currently insufficient to determine the role of this variant in disease. Therefore, it has been classified as a Variant of Uncertain Significance.

NM_004423.4(DVL3):c.1225C>T (p.His409Tyr)

Gene: DVL3 (dishevelled segment polarity protein 3; plus strand). Cytogenetic location: 3q27.1.
Variant type: single nucleotide variant.
Coding change: c.1225C>T on transcript NM_004423.4 (MANE Select); coding-DNA position 1225, C replaced by T.
Protein change: p.His409Tyr; replaces histidine 409 with tyrosine.
Molecular consequence: missense variant.
Genome position (GRCh38, 1-based): chr3:184,167,606, C>T. VCF-style: chr3-184167606-C-T. GRCh37 (hg19) VCF-style: chr3-183885394-C-T.
Other names: short protein forms H409Y.
Identifiers: ClinVar variation 4708717 (VCV004708717.1).
Genomic context (GRCh38, chr3:184,167,606, plus strand): 5'-CTTTCTGCCTCACCATTCTGCCTCCCACCCCCAGGCCTAGACGACTTCCACTTGTCCATC[C>T]ACAGTGACATGGCTGCCATCGTAAAAGCCATGGCCTCCCCTGAATCAGGGTTGGAGGTCC-3'
Protein context (NP_004414.3, residues 399-419): ERLDDFHLSI[His409Tyr]SDMAAIVKAM